The following is an entry in ClinVar:

NM_170606.3(KMT2C):c.1188A>G (p.Gln396=)

Gene: KMT2C (lysine methyltransferase 2C; minus strand). Cytogenetic location: 7q36.1.
Variant type: single nucleotide variant.
Coding change: c.1188A>G on transcript NM_170606.3 (MANE Select); coding-DNA position 1188, A replaced by G.
Protein change: p.Gln396=; no amino-acid change (glutamine 396 retained).
Molecular consequence: synonymous variant.
Genome position (GRCh38, 1-based): chr7:152,263,127, T>C on the plus strand (A>G on the coding strand, the complement: KMT2C is on the minus strand). VCF-style: chr7-152263127-T-C. GRCh37 (hg19) VCF-style: chr7-151960212-T-C.
Identifiers: ClinVar variation 1386016 (VCV001386016.8), dbSNP rs532223166, ClinGen allele CA4581550.

ClinVar aggregate classification (germline): Uncertain significance (1 of 4 stars; one submission).

Allele frequency attached by ClinVar (database versions not stated): ExAC 0.00002; gnomAD exomes 0.00002 and 0.00003; gnomAD 0.00005 and 0.00006; TOPMed 0.00005; 1000 Genomes Project 30x 0.00031; 1000 Genomes Project 0.00040.
gnomAD v4.1: 39 of 1,607,096 alleles (0.0024%); highest among the groups gnomAD compares: East Asian, 0.022%; no homozygotes.

Submission:

Labcorp Genetics (formerly Invitae), Labcorp
Classification: Uncertain significance. Last evaluated: 2021-04-30. Review status: criteria provided, single submitter. Criteria: Invitae Variant Classification Sherloc (09022015). Collection method: clinical testing. Allele origin: germline.
Comment: This sequence change affects codon 396 of the KMT2C mRNA. It is a 'silent' change, meaning that it does not change the encoded amino acid sequence of the KMT2C protein. This variant is present in population databases (rs532223166, ExAC 0.02%). Algorithms developed to predict the effect of sequence changes on RNA splicing suggest that this variant may create or strengthen a splice site, but this prediction has not been confirmed by published transcriptional studies. This variant has not been reported in the literature in individuals with KMT2C-related conditions. In summary, the available evidence is currently insufficient to determine the role of this variant in disease. Therefore, it has been classified as a Variant of Uncertain Significance.